The following is an entry in ClinVar:

ClinVar aggregate classification (germline): Uncertain significance (1 of 4 stars; one submission).

Conditions:
Inborn genetic diseases. Identifiers: MedGen C0950123, MeSH D030342.

Submission:

Ambry Genetics
Classification: Uncertain significance for Inborn genetic diseases. Last evaluated: 2024-05-17. Review status: criteria provided, single submitter. Criteria: Ambry Variant Classification Scheme 2023. Collection method: clinical testing. Allele origin: germline.
Comment: The p.S409C variant (also known as c.1226C>G), located in coding exon 11 of the LRRK2 gene, results from a C to G substitution at nucleotide position 1226. The serine at codon 409 is replaced by cysteine, an amino acid with dissimilar properties. This amino acid position is conserved. In addition, this alteration is predicted to be tolerated by in silico analysis. Based on the available evidence, the clinical significance of this variant remains unclear.

NM_198578.4(LRRK2):c.1226C>G (p.Ser409Cys)

Gene: LRRK2 (leucine rich repeat kinase 2; plus strand). Cytogenetic location: 12q12.
Variant type: single nucleotide variant.
Coding change: c.1226C>G on transcript NM_198578.4 (MANE Select); coding-DNA position 1226, C replaced by G.
Protein change: p.Ser409Cys; replaces serine 409 with cysteine.
Molecular consequence: missense variant.
Genome position (GRCh38, 1-based): chr12:40,252,954, C>G. VCF-style: chr12-40252954-C-G. GRCh37 (hg19) VCF-style: chr12-40646756-C-G.
Other names: short protein forms S409C.
Identifiers: ClinVar variation 3291898 (VCV003291898.1).